The following is an entry in ClinVar:

ClinVar aggregate classification (germline): Likely pathogenic (1 of 4 stars; one submission).

Conditions:
Hematuria. Identifiers: MedGen C0018965, HP:0000790.

Submission:

Genetics Laboratory, Great Ormond Street Hospital NHS Foundation Trust, North Thames Genomic Laboratory Hub
Classification: Likely pathogenic for Haematuria. Last evaluated: 2026-05-13. Review status: criteria provided, single submitter. Criteria: ACGS Best Practice Guidelines for Variant Classification in Rare Disease 2024 v1.2. Collection method: clinical testing. Allele origin: germline. Affected: yes.
Comment: PM2_moderate, PM4_moderate, PM1_supporting, PP4_supporting

NM_000092.5(COL4A4):c.4704_4727dup (p.Val1576_Ala1577insCysGluAlaProAlaGlnAlaVal)

Gene: COL4A4 (collagen type IV alpha 4 chain; minus strand). Cytogenetic location: 2q36.3.
Variant type: Duplication.
Coding change: c.4704_4727dup on transcript NM_000092.5 (MANE Select); coding-DNA positions 4704 to 4727, 24 bases duplicated (ATGCGAGGCCCCGGCCCAGGCGGT).
Protein change: p.Val1576_Ala1577insCysGluAlaProAlaGlnAlaVal.
Molecular consequence: inframe insertion.
Genome position (GRCh38, 1-based): chr2:227,008,100-227,008,123, ACCGCCTGGGCCGGGGCCTCGCAT duplicated on the plus strand (ATGCGAGGCCCCGGCCCAGGCGGT on the coding strand, the reverse complement: COL4A4 is on the minus strand); duplicating any 24 consecutive bases within chr2:227,008,100-227,008,128 gives the same sequence; the c. name uses the placement nearest the transcript's 3' end. VCF-style (leftmost placement, unchanged base first): chr2-227008099-C-CACCGCCTGGGCCGGGGCCTCGCAT. GRCh37 (hg19) VCF-style: chr2-227872815-C-CACCGCCTGGGCCGGGGCCTCGCAT.
Identifiers: ClinVar variation 4857693 (VCV004857693.1).